The following is an entry in ClinVar:

NM_004281.4(BAG3):c.1418G>A (p.Arg473Gln)

Gene: BAG3 (BAG cochaperone 3; plus strand). Cytogenetic location: 10q26.11.
Variant type: single nucleotide variant.
Coding change: c.1418G>A on transcript NM_004281.4 (MANE Select); coding-DNA position 1418, G replaced by A.
Protein change: p.Arg473Gln; replaces arginine 473 with glutamine.
Molecular consequence: missense variant.
Genome position (GRCh38, 1-based): chr10:119,676,972, G>A. VCF-style: chr10-119676972-G-A. GRCh37 (hg19) VCF-style: chr10-121436484-G-A.
Other names: short protein forms R473Q.
Identifiers: ClinVar variation 1442376 (VCV001442376.10), dbSNP rs150156178, ClinGen allele CA5716547.

ClinVar aggregate classification (germline): Conflicting classifications of pathogenicity. Review status: criteria provided, conflicting classifications (1 of 4 stars). 3 submissions from 3 submitters: Uncertain significance (2); Likely benign (1). Last evaluated 2025-09-11.

Conditions:
Cardiovascular phenotype. Identifiers: MedGen CN230736.
Myofibrillar myopathy 6. Identifiers: Orphanet 199340, MedGen C2751831, MONDO:0013061, OMIM 612954.
Dilated cardiomyopathy 1HH (CMD1HH). Identifiers: Orphanet 154, MedGen C3151293, MONDO:0013479, OMIM 613881.

Allele frequency attached by ClinVar (database versions not stated): gnomAD 0.00001; gnomAD exomes 0.00001; TOPMed 0.00001; ExAC 0.00002; ESP Exome Variant Server 0.00008.
gnomAD v4.1: 8 of 1,614,030 alleles (0.0005%); highest among the groups gnomAD compares: Admixed American, 0.0067%; no homozygotes.

Submissions (3):

Ambry Genetics
Classification: Uncertain significance for Cardiovascular phenotype. Last evaluated: 2025-09-11. Review status: criteria provided, single submitter. Criteria: Ambry Variant Classification Scheme 2023. Collection method: clinical testing. Allele origin: germline.
Comment: The p.R473Q variant (also known as c.1418G>A), located in coding exon 4 of the BAG3 gene, results from a G to A substitution at nucleotide position 1418. The arginine at codon 473 is replaced by glutamine, an amino acid with highly similar properties. This amino acid position is highly conserved in available vertebrate species. In addition, this alteration is predicted to be deleterious by in silico analysis. Based on the available evidence, the clinical significance of this variant remains unclear.

Labcorp Genetics (formerly Invitae), Labcorp
Classification: Likely benign for Dilated cardiomyopathy 1HH; Myofibrillar myopathy 6. Last evaluated: 2024-06-24. Review status: criteria provided, single submitter. Criteria: Invitae Variant Classification Sherloc (09022015). Collection method: clinical testing. Allele origin: germline.

Fulgent Genetics
Classification: Uncertain significance for Myofibrillar myopathy 6; Dilated cardiomyopathy 1HH. Last evaluated: 2021-07-10. Review status: criteria provided, single submitter. Criteria: ACMG Guidelines, 2015. Collection method: clinical testing. Allele origin: unknown.